The following is an entry in ClinVar:

NM_199355.4(ADAMTS18):c.458G>T (p.Ser153Ile)

Gene: ADAMTS18 (ADAM metallopeptidase with thrombospondin type 1 motif 18; minus strand). Cytogenetic location: 16q23.1.
Variant type: single nucleotide variant.
Coding change: c.458G>T on transcript NM_199355.4 (MANE Select); coding-DNA position 458, G replaced by T.
Protein change: p.Ser153Ile; replaces serine 153 with isoleucine.
Molecular consequence: missense variant. On other transcripts: 5 prime UTR variant (1).
Genome position (GRCh38, 1-based): chr16:77,431,332, C>A on the plus strand (G>T on the coding strand, the complement: ADAMTS18 is on the minus strand). VCF-style: chr16-77431332-C-A. GRCh37 (hg19) VCF-style: chr16-77465229-C-A.
Other names: c.-63G>T (NM_001326358.2); short protein forms S153I.
Identifiers: ClinVar variation 1350092 (VCV001350092.3), dbSNP rs142435175, ClinGen allele CA284897448.

ClinVar aggregate classification (germline): Uncertain significance (1 of 4 stars; one submission).

Allele frequency attached by ClinVar (database versions not stated): gnomAD exomes below 0.00001; ESP Exome Variant Server 0.00008; TOPMed below 0.00001.
gnomAD v4.1: 26 of 1,614,158 alleles (0.0016%); highest among the groups gnomAD compares: Non-Finnish European, 0.0022%; no homozygotes.

Submission:

Labcorp Genetics (formerly Invitae), Labcorp
Classification: Uncertain significance. Last evaluated: 2022-07-06. Review status: criteria provided, single submitter. Criteria: Invitae Variant Classification Sherloc (09022015). Collection method: clinical testing. Allele origin: germline.
Comment: This sequence change replaces serine, which is neutral and polar, with isoleucine, which is neutral and non-polar, at codon 153 of the ADAMTS18 protein (p.Ser153Ile). This variant is present in population databases (rs142435175, gnomAD 0.0009%). This variant has not been reported in the literature in individuals affected with ADAMTS18-related conditions. ClinVar contains an entry for this variant (Variation ID: 1350092). Algorithms developed to predict the effect of missense changes on protein structure and function are either unavailable or do not agree on the potential impact of this missense change (SIFT: "Not Available"; PolyPhen-2: "Benign"; Align-GVGD: "Not Available"). In summary, the available evidence is currently insufficient to determine the role of this variant in disease. Therefore, it has been classified as a Variant of Uncertain Significance.